The following is an entry in ClinVar:

ClinVar aggregate classification (germline): Uncertain significance (1 of 4 stars; one submission).

Conditions:
Catecholaminergic polymorphic ventricular tachycardia (CVPT). Also called: Catecholamine-induced polymorphic ventricular tachycardia. Identifiers: Orphanet 3286, MedGen C5574922, MONDO:0017990.

Submission:

All of Us Research Program, National Institutes of Health
Classification: Uncertain significance for Catecholaminergic polymorphic ventricular tachycardia. Last evaluated: 2024-04-16. Review status: criteria provided, single submitter. Criteria: ACMG Guidelines, 2015. Collection method: clinical testing. Allele origin: germline. Inheritance: Autosomal dominant inheritance. Observed: 1 variant allele, 1 heterozygote.
Comment: This missense variant replaces glutamine with proline at codon 209 of the RYR2 protein. Computational prediction suggests that this variant may have deleterious impact on protein structure and function (internally defined REVEL score threshold >= 0.7, PMID: 27666373). To our knowledge, functional studies have not been reported for this variant. This variant has not been reported in individuals affected with RYR2-related disorders in the literature. This variant has not been identified in the general population by the Genome Aggregation Database (gnomAD). The available evidence is insufficient to determine the role of this variant in disease conclusively. Therefore, this variant is classified as a Variant of Uncertain Significance.

This study involves interpretation of variants in research participants for the purpose of population health screening. Participant phenotype was not available at the time of variant classification. Additional details can be found in publication PMID: 35346344, PMCID: PMC8962531

NM_001035.3(RYR2):c.626A>C (p.Gln209Pro)

Gene: RYR2 (ryanodine receptor 2; plus strand). Cytogenetic location: 1q43.
Variant type: single nucleotide variant.
Coding change: c.626A>C on transcript NM_001035.3 (MANE Select); coding-DNA position 626, A replaced by C.
Protein change: p.Gln209Pro; replaces glutamine 209 with proline.
Molecular consequence: missense variant.
Genome position (GRCh38, 1-based): chr1:237,387,330, A>C. VCF-style: chr1-237387330-A-C. GRCh37 (hg19) VCF-style: chr1-237550630-A-C.
Other names: short protein forms Q209P.
Identifiers: ClinVar variation 3385652 (VCV003385652.1).
Genomic context (GRCh38, chr1:237,387,330, plus strand): 5'-TCTTGATACAGCACTTGTCTTATGGCAACGGCAGCTTACACGTGGATGCCGCTTTCCAGC[A>C]GACTCTCTGGAGCGTGGCCCCAATCAGCTCAGGAAGTGAGGCAGCCCAAGGTAAAAACTC-3'
Protein context (NP_001026.2, residues 199-219): GSLHVDAAFQ[Gln209Pro]TLWSVAPISS